The following is an entry in ClinVar:

NM_000178.4(GSS):c.1333G>A (p.Val445Met)

Gene: GSS (glutathione synthetase; minus strand). Cytogenetic location: 20q11.22.
Variant type: single nucleotide variant.
Coding change: c.1333G>A on transcript NM_000178.4 (MANE Select); coding-DNA position 1333, G replaced by A.
Protein change: p.Val445Met; replaces valine 445 with methionine.
Molecular consequence: missense variant.
Genome position (GRCh38, 1-based): chr20:34,928,920, C>T on the plus strand (G>A on the coding strand, the complement: GSS is on the minus strand). VCF-style: chr20-34928920-C-T. GRCh37 (hg19) VCF-style: chr20-33516723-C-T.
Other names: p.Val445Met; c.1333G>A (NM_000178.2); c.1333G>A, p.Val445Met (NM_001322494.1, NM_001322495.1); short protein forms V445M.
Identifiers: ClinVar variation 2174778 (VCV002174778.3), dbSNP rs774904754, ClinGen allele CA9825802.
Genomic context (GRCh38, chr20:34,928,920, plus strand): 5'-CTCCCGCTGCCACACCACCATCTGCATGCTCGATGGCTTTGGTTCGAAGTAGATGCCCCA[C>T]GTGCTTGTTCATCACGAGTGTCTTTTCCTGCCTATAGAAATGGAGGCAGGGGACACACAT-3'
Protein context (NP_000169.1, residues 435-455): QEKTLVMNKH[Val445Met]GHLLRTKAIE

ClinVar aggregate classification (germline): Uncertain significance. Review status: criteria provided, multiple submitters, no conflicts (2 of 4 stars). 3 submissions from 3 submitters: Uncertain significance (3). Last evaluated 2025-08-05.

Conditions:
Inherited glutathione synthetase deficiency. Identifiers: Orphanet 32, MedGen C5979912, MONDO:0017909.
Inborn genetic diseases. Identifiers: MedGen C0950123, MeSH D030342.

Allele frequency attached by ClinVar (database versions not stated): ExAC 0.00002.

Submissions (3):

Mayo Clinic Laboratories, Mayo Clinic
Classification: Uncertain significance. Last evaluated: 2025-08-05. Review status: criteria provided, single submitter. Criteria: ACMG Guidelines, 2015. Collection method: clinical testing. Allele origin: germline. Observed: 1 variant allele.
Comment: PP3_moderate, PM2_supporting

Ambry Genetics
Classification: Uncertain significance for Inborn genetic diseases. Last evaluated: 2025-03-07. Review status: criteria provided, single submitter. Criteria: Ambry Variant Classification Scheme 2023. Collection method: clinical testing. Allele origin: germline.

Labcorp Genetics (formerly Invitae), Labcorp
Classification: Uncertain significance for Glutathione synthetase deficiency with 5-oxoprolinuria. Last evaluated: 2022-07-27. Review status: criteria provided, single submitter. Criteria: Invitae Variant Classification Sherloc (09022015). Collection method: clinical testing. Allele origin: germline.
Comment: This sequence change replaces valine, which is neutral and non-polar, with methionine, which is neutral and non-polar, at codon 445 of the GSS protein (p.Val445Met). This variant is present in population databases (rs774904754, gnomAD 0.006%). This variant has not been reported in the literature in individuals affected with GSS-related conditions. Algorithms developed to predict the effect of missense changes on protein structure and function are either unavailable or do not agree on the potential impact of this missense change (SIFT: "Tolerated"; PolyPhen-2: "Possibly Damaging"; Align-GVGD: "Class C0"). In summary, the available evidence is currently insufficient to determine the role of this variant in disease. Therefore, it has been classified as a Variant of Uncertain Significance.